The following is an entry in ClinVar:

NM_004991.4(MECOM):c.574G>A (p.Glu192Lys)

Gene: MECOM (MDS1 and EVI1 complex locus; minus strand). Cytogenetic location: 3q26.2.
Variant type: single nucleotide variant.
Coding change: c.574G>A on transcript NM_004991.4 (MANE Select); coding-DNA position 574, G replaced by A.
Protein change: p.Glu192Lys; replaces glutamic acid 192 with lysine.
Molecular consequence: missense variant.
Genome position (GRCh38, 1-based): chr3:169,131,468, C>T on the plus strand (G>A on the coding strand, the complement: MECOM is on the minus strand). VCF-style: chr3-169131468-C-T. GRCh37 (hg19) VCF-style: chr3-168849256-C-T.
Other names: c.202G>A, p.Glu68Lys (NM_001105077.4); c.10G>A, p.Glu4Lys (NM_001105078.4, NM_001163999.2, NM_001164000.2 and 9 more transcripts); c.574G>A, p.Glu192Lys (NM_001366466.2, NM_001366473.2); short protein forms E4K, E68K, E192K.
Identifiers: ClinVar variation 3394259 (VCV003394259.1).

ClinVar aggregate classification (germline): Uncertain significance (1 of 4 stars; one submission).

Conditions:
Inborn genetic diseases. Identifiers: MedGen C0950123, MeSH D030342.

gnomAD v4.1: 18 of 1,613,960 alleles (0.0011%); highest among the groups gnomAD compares: Non-Finnish European, 0.0012%; no homozygotes.

Submission:

Ambry Genetics
Classification: Uncertain significance for Inborn genetic diseases. Last evaluated: 2024-11-18. Review status: criteria provided, single submitter. Criteria: Ambry Variant Classification Scheme 2023. Collection method: clinical testing. Allele origin: germline.
Comment: The p.E192K variant (also known as c.574G>A), located in coding exon 4 of the MECOM gene, results from a G to A substitution at nucleotide position 574. The glutamic acid at codon 192 is replaced by lysine, an amino acid with similar properties. This amino acid position is conserved. In addition, the in silico prediction for this alteration is inconclusive. Based on the available evidence, the clinical significance of this variant remains unclear.